The following is an entry in ClinVar:

ClinVar aggregate classification (germline): Uncertain significance. Review status: criteria provided, multiple submitters, no conflicts (2 of 4 stars). 2 submissions from 2 submitters: Uncertain significance (2). Last evaluated 2026-07-16.

Conditions:
Familial thoracic aortic aneurysm and aortic dissection (TAAD). Also called: Thoracic aortic aneurysms and dissections. Identifiers: Orphanet 91387, MedGen C4707243, MONDO:0019625.

Submissions (2):

Ambry Genetics
Classification: Uncertain significance for Familial thoracic aortic aneurysm and aortic dissection. Last evaluated: 2026-07-16. Review status: criteria provided, single submitter. Criteria: Ambry Variant Classification Scheme 2023. Collection method: clinical testing. Allele origin: germline.
Comment: The p.S236C variant (also known as c.707C>G), located in coding exon 4 of the TGFBR1 gene, results from a C to G substitution at nucleotide position 707. The serine at codon 236 is replaced by cysteine, an amino acid with dissimilar properties. This amino acid position is highly conserved in available vertebrate species. In addition, the in silico prediction for this alteration is inconclusive. Based on the available evidence, the clinical significance of this variant remains unclear.

Labcorp Genetics (formerly Invitae), Labcorp
Classification: Uncertain significance for Familial thoracic aortic aneurysm and aortic dissection. Last evaluated: 2025-12-16. Review status: criteria provided, single submitter. Criteria: Invitae Variant Classification Sherloc (09022015). Collection method: clinical testing. Allele origin: germline.
Comment: This sequence change replaces serine, which is neutral and polar, with cysteine, which is neutral and slightly polar, at codon 236 of the TGFBR1 protein (p.Ser236Cys). This variant is not present in population databases (gnomAD no frequency). This variant has not been reported in the literature in individuals affected with TGFBR1-related conditions. Invitae Evidence Modeling of protein sequence and biophysical properties (such as structural, functional, and spatial information, amino acid conservation, physicochemical variation, residue mobility, and thermodynamic stability) indicates that this missense variant is expected to disrupt TGFBR1 protein function with a positive predictive value of 80%. This variant disrupts the p.Ser236 amino acid residue in TGFBR1. Other variant(s) that disrupt this residue have been determined to be pathogenic (internal data). This suggests that this residue is clinically significant, and that variants that disrupt this residue are likely to be disease-causing. In summary, the available evidence is currently insufficient to determine the role of this variant in disease. Therefore, it has been classified as a Variant of Uncertain Significance.

NM_004612.4(TGFBR1):c.707C>G (p.Ser236Cys)

Gene: TGFBR1 (transforming growth factor beta receptor 1; plus strand). Cytogenetic location: 9q22.33.
Variant type: single nucleotide variant.
Coding change: c.707C>G on transcript NM_004612.4 (MANE Select); coding-DNA position 707, C replaced by G.
Protein change: p.Ser236Cys; replaces serine 236 with cysteine.
Molecular consequence: missense variant. On other transcripts: non-coding transcript variant (4), intron variant (2).
Genome position (GRCh38, 1-based): chr9:99,137,991, C>G. VCF-style: chr9-99137991-C-G. GRCh37 (hg19) VCF-style: chr9-101900273-C-G.
Other names: c.707C>G (NM_004612.2); c.476C>G, p.Ser159Cys (NM_001130916.3); c.719C>G, p.Ser240Cys (NM_001306210.2, NM_001407416.1); c.707C>G, p.Ser236Cys (NM_001407417.1); c.512C>G, p.Ser171Cys (NM_001407418.1, NM_001407419.1, NM_001407420.1 and 1 more transcripts); c.500C>G, p.Ser167Cys (NM_001407423.1, NM_001407424.1, NM_001407425.1 and 8 more transcripts); c.461C>G, p.Ser154Cys (NM_001407436.1); c.230C>G, p.Ser77Cys (NM_001407438.1); and 2 more; short protein forms S159C, S171C, S154C, S167C, S236C, S240C, S77C.
Identifiers: ClinVar variation 4743699 (VCV004743699.2).